The following is an entry in ClinVar:

ClinVar aggregate classification (germline): Uncertain significance (1 of 4 stars; one submission).

Submission:

Labcorp Genetics (formerly Invitae), Labcorp
Classification: Uncertain significance. Last evaluated: 2022-08-16. Review status: criteria provided, single submitter. Criteria: Invitae Variant Classification Sherloc (09022015). Collection method: clinical testing. Allele origin: germline.
Comment: This sequence change replaces glutamic acid, which is acidic and polar, with lysine, which is basic and polar, at codon 564 of the ADD3 protein (p.Glu564Lys). In summary, the available evidence is currently insufficient to determine the role of this variant in disease. Therefore, it has been classified as a Variant of Uncertain Significance. Algorithms developed to predict the effect of missense changes on protein structure and function are either unavailable or do not agree on the potential impact of this missense change (SIFT: "Not Available"; PolyPhen-2: "Benign"; Align-GVGD: "Not Available"). This variant has not been reported in the literature in individuals affected with ADD3-related conditions. This variant is not present in population databases (gnomAD no frequency).

NM_016824.5(ADD3):c.1690G>A (p.Glu564Lys)

Gene: ADD3 (adducin 3; plus strand). Cytogenetic location: 10q25.2.
Variant type: single nucleotide variant.
Coding change: c.1690G>A on transcript NM_016824.5 (MANE Select); coding-DNA position 1690, G replaced by A.
Protein change: p.Glu564Lys; replaces glutamic acid 564 with lysine.
Molecular consequence: missense variant.
Genome position (GRCh38, 1-based): chr10:110,130,444, G>A. VCF-style: chr10-110130444-G-A. GRCh37 (hg19) VCF-style: chr10-111890202-G-A.
Other names: c.1690G>A, p.Glu564Lys (NM_001121.4, NM_001320591.2, NM_001320592.2 and 2 more transcripts); c.1456G>A, p.Glu486Lys (NM_001320594.2); short protein forms E486K, E564K.
Identifiers: ClinVar variation 2036001 (VCV002036001.4), dbSNP rs2496330538, ClinGen allele CA378377796.